The following is an entry in ClinVar:

NM_007294.4(BRCA1):c.3143G>A (p.Gly1048Asp)

Gene: BRCA1 (BRCA1 DNA repair associated; minus strand). Cytogenetic location: 17q21.31.
Variant type: single nucleotide variant.
Coding change: c.3143G>A on transcript NM_007294.4 (MANE Select); coding-DNA position 3143, G replaced by A.
Protein change: p.Gly1048Asp; replaces glycine 1048 with aspartic acid.
Molecular consequence: missense variant. On other transcripts: intron variant (137).
Genome position (GRCh38, 1-based): chr17:43,092,388, C>T on the plus strand (G>A on the coding strand, the complement: BRCA1 is on the minus strand). VCF-style: chr17-43092388-C-T. GRCh37 (hg19) VCF-style: chr17-41244405-C-T.
Other names: c.3140G>A, p.Gly1047Asp (NM_001407628.1, NM_001407629.1, NM_001407630.1 and 22 more transcripts); c.3143G>A, p.Gly1048Asp (NM_001407639.1, NM_001407640.1, NM_001407641.1 and 30 more transcripts); c.3134G>A, p.Gly1045Asp (NM_001407646.1, NM_001407647.1); c.3020G>A, p.Gly1007Asp (NM_001407648.1, NM_001407664.1, NM_001407665.1 and 19 more transcripts); c.3017G>A, p.Gly1006Asp (NM_001407649.1, NM_001407670.1, NM_001407671.1 and 11 more transcripts); c.3065G>A, p.Gly1022Asp (NM_001407653.1, NM_001407654.1, NM_001407655.1 and 4 more transcripts); c.3062G>A, p.Gly1021Asp (NM_001407659.1, NM_001407660.1, NM_001407661.1 and 1 more transcripts); c.3002G>A, p.Gly1001Asp (NM_001407692.1, NM_001407694.1, NM_001407695.1 and 29 more transcripts); and 41 more; short protein forms G1048D, G1001D, G1022D, G752D, G936D, G980D, G1000D, G1045D.
Identifiers: ClinVar variation 54776 (VCV000054776.35), dbSNP rs80356899, ClinGen allele CA002048.

ClinVar aggregate classification (germline): Conflicting classifications of pathogenicity. Review status: criteria provided, conflicting classifications (1 of 4 stars). 15 submissions from 15 submitters: Uncertain significance (5); Benign (1); Likely benign (7). 2 of the submissions do not count toward it. Last evaluated 2026-06-29.

Conditions:
BRCA1-related disorder. Also called: BRCA1-related condition.
Hereditary cancer-predisposing syndrome. Also called: Tumor predisposition; Neoplastic Syndromes, Hereditary; Hereditary Cancer Syndrome; Hereditary neoplastic syndrome. Identifiers: Orphanet 140162, MedGen C0027672, MeSH D009386, MONDO:0015356.
Hereditary breast ovarian cancer syndrome. Also called: Hereditary breast and ovarian cancer syndrome (HBOC); Hereditary breast and ovarian cancer syndrome; Hereditary breast and ovarian cancer; Hereditary breast and/or ovarian cancer syndrome; Breast and ovarian cancer; BRCA1- and BRCA2-Associated Hereditary Breast and Ovarian Cancer. Identifiers: Orphanet 145, MedGen C0677776, MeSH D061325, MONDO:0003582. Disease mechanism: loss of function.
Breast-ovarian cancer, familial, susceptibility to, 1 (BROVCA1). Also called: OVARIAN CANCER, SUSCEPTIBILITY TO; BRCA1 Hereditary Breast and Ovarian Cancer. Identifiers: Orphanet 145, MedGen C2676676, MONDO:0011450, OMIM 604370. Disease mechanism: loss of function.

Allele frequency attached by ClinVar (database versions not stated): ExAC 0.00002; gnomAD 0.00004; TOPMed 0.00011; ESP Exome Variant Server 0.00015.
gnomAD v4.1: 16 of 1,613,750 alleles (0.00099%); highest among the groups gnomAD compares: African/African-American, 0.019%; no homozygotes.

Submissions (15):

Institute for Biomarker Research, Medical Diagnostic Laboratories, L.L.C.
Classification: Uncertain significance for Hereditary breast ovarian cancer syndrome. Last evaluated: 2026-06-29. Review status: criteria provided, single submitter. Criteria: ACMG Guidelines, 2015. Collection method: clinical testing. Allele origin: germline.
Comment: The missense variant NM_007294.4(BRCA1):c.3143G>A (p.Gly1048Asp) is not currently classified as pathogenic or benign in clinical sources (Accession: VCV000054776.33). There is a moderate physicochemical difference between glycine and aspartic acid. For these reasons, this variant has been classified as Uncertain Significance.

PreventionGenetics, part of Exact Sciences
Classification: Likely benign for BRCA1-related condition. Last evaluated: 2026-04-20. Review status: criteria provided, single submitter. Criteria: ACMG Guidelines, 2015. Collection method: clinical testing. Allele origin: germline.
Comment: This variant is classified as likely benign based on ACMG/AMP sequence variant interpretation guidelines (Richards et al. 2015 PMID: 25741868, with internal and published modifications).

Labcorp Genetics (formerly Invitae), Labcorp
Classification: Likely benign for Hereditary breast ovarian cancer syndrome. Last evaluated: 2025-12-28. Review status: criteria provided, single submitter. Criteria: Invitae Variant Classification Sherloc (09022015). Collection method: clinical testing. Allele origin: germline.

Color Diagnostics, LLC DBA Color Health
Classification: Likely benign for Hereditary cancer-predisposing syndrome. Last evaluated: 2025-07-03. Review status: criteria provided, single submitter. Criteria: ACMG Guidelines, 2015. Collection method: clinical testing. Allele origin: germline.

Women's Health and Genetics/Laboratory Corporation of America, LabCorp
Classification: Likely benign. Last evaluated: 2025-04-11. Review status: criteria provided, single submitter. Criteria: LabCorp Variant Classification Summary - May 2015. Collection method: clinical testing. Allele origin: germline.
Comment: Variant summary: BRCA1 c.3143G>A (p.Gly1048Asp) results in a non-conservative amino acid change in the encoded protein sequence. Four of five in-silico tools predict a benign effect of the variant on protein function. Consistent with these predictions, this missense variant lies in the coldspot region where missense variants are very unlikely to be pathogenic (PMID:31911673). The variant allele was found at a frequency of 3.6e-05 in 356168 control chromosomes (gnomAD). This frequency is not significantly higher than estimated for a pathogenic variant in BRCA1 causing Hereditary Breast and Ovarian Cancer Syndrome (3.6e-05 vs 0.001), allowing no conclusion about variant significance. c.3143G>A has been observed in individuals affected with breast and/or ovarian cancer (e.g., Judkins_2005, Anczukow_2008, Guindalini_2020) as well as in unaffected controls (e.g., Momozawa_2018, Mizukami_2020, Okawa_2023). These report(s) do not provide unequivocal conclusions about association of the variant with Hereditary Breast and Ovarian Cancer Syndrome. At least one publication reports experimental evidence evaluating an impact on protein function, however, does not allow convincing conclusions about the variant effect (Anczukow_2008). Recent reports from the CAGI5 ENIGMA challenge have classified this variant as likely benign (Cline_2019, Padilla_2019). The following publications have been ascertained in the context of this evaluation (PMID: 35264596, 36243179, 31112341, 18273839, 31294896, 16267036, 25011685, 30287823, 15385441, 23893897, 32980694, 31911673). ClinVar contains an entry for this variant (Variation ID: 54776). Based on the evidence outlined above, the variant was classified as likely benign.

Mayo Clinic Laboratories, Mayo Clinic
Classification: Benign. Last evaluated: 2024-12-06. Review status: criteria provided, single submitter. Criteria: ACMG Guidelines, 2015. Collection method: clinical testing. Allele origin: germline. Observed: 1 variant allele.
Comment: BS1, BP1_strong, BP5

All of Us Research Program, National Institutes of Health
Classification: Uncertain significance for Breast-ovarian cancer, familial, susceptibility to, 1. Last evaluated: 2023-09-05. Review status: criteria provided, single submitter. Criteria: ACMG Guidelines, 2015. Collection method: clinical testing. Allele origin: germline. Inheritance: Autosomal dominant inheritance. Observed: 5 variant alleles, 5 heterozygotes.
Comment: This missense variant replaces glycine with aspartic acid at codon 1048 of the BRCA1 protein. Computational prediction suggests that this variant may not impact protein structure and function (internally defined REVEL score threshold <= 0.5, PMID: 27666373). To our knowledge, functional studies have not been reported for this variant. This variant has been reported in breast, pancreatic and prostate cancer case-control studies in 1 unaffected individual per study and absent in cancer cases (PMID: 30287823, 31214711, 32980694) and in a multifactorial analysis with co-occurrence and family history likelihood ratios for pathogenicity of 1.1391 and 0.4042, respectively (PMID: 31131967). This variant has been identified in 9/282390 chromosomes in the general population by the Genome Aggregation Database (gnomAD). The available evidence is insufficient to determine the role of this variant in disease conclusively. Therefore, this variant is classified as a Variant of Uncertain Significance.

This study involves interpretation of variants in research participants for the purpose of population health screening. Participant phenotype was not available at the time of variant classification. Additional details can be found in publication PMID: 35346344, PMCID: PMC8962531

GeneDx
Classification: Uncertain significance. Last evaluated: 2023-07-06. Review status: criteria provided, single submitter. Criteria: GeneDx Variant Classification Process June 2021. Collection method: clinical testing. Allele origin: germline. Affected: yes.
Comment: Observed individuals undergoing clinical testing for hereditary breast and ovarian cancer (Judkins et al., 2005; Anczukow et al., 2008); In silico analysis supports that this missense variant has a deleterious effect on protein structure/function; Also known as 3262G>A; This variant is associated with the following publications: (PMID: 26306726, 25011685, 15385441, 18273839, 9354803, 23893897, 9150149, 33087888, 30287823, 16267036, 31131967, 15343273, 35264596, 32980694)

Quest Diagnostics Nichols Institute San Juan Capistrano
Classification: Likely benign. Last evaluated: 2023-05-01. Review status: criteria provided, single submitter. Criteria: Quest Diagnostics criteria. Collection method: clinical testing. Allele origin: unknown.

University of Washington Department of Laboratory Medicine, University of Washington
Classification: Likely benign for Hereditary cancer-predisposing syndrome. Last evaluated: 2023-03-23. Review status: criteria provided, single submitter. Criteria: Dines et al. (Genet Med. 2020). Collection method: curation. Allele origin: germline.
Comment: Missense variant in a coldspot region where missense variants are very unlikely to be pathogenic (PMID:31911673).

BRCA1 coldspot (exon 11 using historical exon numbering). Reclassification based on statistical prior probability

Sema4
Classification: Uncertain significance for Hereditary cancer-predisposing syndrome. Last evaluated: 2021-08-06. Review status: criteria provided, single submitter. Criteria: Sema4 Curation Guidelines. Collection method: curation. Allele origin: germline.
Comment: The BRCA1 c.3143G>A (p.G1048D) variant has been reported in individuals undergoing genetic testing for hereditary breast and ovarian cancer (PMID: 16267036, 18273839) and was also observed in controls (PMID: 30287823, 32980694). It was observed in 9/24962 chromosomes of the African/African American subpopulation in the large and broad cohorts of the Genome Aggregation Database (PMID: 32461654). The variant has been reported in ClinVar (Variation ID 54776). Functional studies have not been performed, and in silico predictions of the variant's effect on protein function are inconclusive. The evidence is insufficient to meet ACMG/AMP criteria for classifying the variant as benign or pathogenic. Thus, the clinical significance of this variant is currently uncertain.

Ambry Genetics
Classification: Likely benign for Hereditary cancer-predisposing syndrome. Last evaluated: 2021-03-26. Review status: criteria provided, single submitter. Criteria: Ambry Variant Classification Scheme 2023. Collection method: clinical testing. Allele origin: germline.

Mendelics
Classification: Uncertain significance for Breast-ovarian cancer, familial, susceptibility to, 1. Last evaluated: 2019-05-28. Review status: criteria provided, single submitter. Criteria: Mendelics Assertion Criteria 2017. Collection method: clinical testing. Allele origin: unknown.

Counsyl
Classification: Uncertain significance for Breast-ovarian cancer, familial, susceptibility to, 1. Last evaluated: 2017-09-06. Review status: no assertion criteria provided. Collection method: clinical testing. Allele origin: unknown. Not counted in ClinVar's aggregate classification.

Breast Cancer Information Core (BIC) (BRCA1)
Classification: Uncertain significance for Breast-ovarian cancer, familial 1. Last evaluated: 2002-05-29. Review status: no assertion criteria provided. Collection method: clinical testing. Allele origin: germline. Affected: yes. Observed: 4 variant alleles. Not counted in ClinVar's aggregate classification.

Literature cited by the submitters: PubMed 16267036 (cited by 4 submitters); PubMed 15385441 (cited by Women's Health and Genetics/Laboratory Corporation of America, LabCorp and Counsyl); PubMed 23893897 (cited by Women's Health and Genetics/Laboratory Corporation of America, LabCorp and Quest Diagnostics Nichols Institute San Juan Capistrano); PubMed 18273839 (cited by 4 submitters); PubMed 25011685 (cited by Women's Health and Genetics/Laboratory Corporation of America, LabCorp); PubMed 30287823 (cited by 4 submitters); PubMed 31112341 (cited by Women's Health and Genetics/Laboratory Corporation of America, LabCorp); PubMed 31294896 (cited by Women's Health and Genetics/Laboratory Corporation of America, LabCorp); PubMed 32980694 (cited by 4 submitters); PubMed 35264596 (cited by Women's Health and Genetics/Laboratory Corporation of America, LabCorp and Quest Diagnostics Nichols Institute San Juan Capistrano); PubMed 36243179 (cited by Women's Health and Genetics/Laboratory Corporation of America, LabCorp); PubMed 31131967 (cited by All of Us Research Program, National Institutes of Health and Quest Diagnostics Nichols Institute San Juan Capistrano); PubMed 31214711 (cited by All of Us Research Program, National Institutes of Health); PubMed 9150149 (cited by Quest Diagnostics Nichols Institute San Juan Capistrano and Counsyl); PubMed 31911673 (cited by Quest Diagnostics Nichols Institute San Juan Capistrano); PubMed 33087888 (cited by Quest Diagnostics Nichols Institute San Juan Capistrano).